The following is an entry in ClinVar:

ClinVar aggregate classification (germline): Uncertain significance (1 of 4 stars; one submission).

Allele frequency attached by ClinVar (database versions not stated): TOPMed 0.00004.
gnomAD v4.1: 9 of 1,614,040 alleles (0.00056%); highest among the groups gnomAD compares: African/African-American, 0.012%; no homozygotes.

Submission:

Labcorp Genetics (formerly Invitae), Labcorp
Classification: Uncertain significance. Last evaluated: 2022-08-15. Review status: criteria provided, single submitter. Criteria: Invitae Variant Classification Sherloc (09022015). Collection method: clinical testing. Allele origin: germline.
Comment: In summary, the available evidence is currently insufficient to determine the role of this variant in disease. Therefore, it has been classified as a Variant of Uncertain Significance. Algorithms developed to predict the effect of missense changes on protein structure and function are either unavailable or do not agree on the potential impact of this missense change (SIFT: "Deleterious"; PolyPhen-2: "Benign"; Align-GVGD: "Class C0"). ClinVar contains an entry for this variant (Variation ID: 1039874). This variant has not been reported in the literature in individuals affected with RGS9-related conditions. This variant is present in population databases (no rsID available, gnomAD 0.007%). This sequence change replaces isoleucine, which is neutral and non-polar, with methionine, which is neutral and non-polar, at codon 59 of the RGS9 protein (p.Ile59Met).

NM_003835.4(RGS9):c.177C>G (p.Ile59Met)

Gene: RGS9 (regulator of G protein signaling 9; plus strand). Cytogenetic location: 17q24.1.
Variant type: single nucleotide variant.
Coding change: c.177C>G on transcript NM_003835.4 (MANE Select); coding-DNA position 177, C replaced by G.
Protein change: p.Ile59Met; replaces isoleucine 59 with methionine.
Molecular consequence: missense variant.
Genome position (GRCh38, 1-based): chr17:65,158,317, C>G. VCF-style: chr17-65158317-C-G. GRCh37 (hg19) VCF-style: chr17-63154435-C-G.
Other names: c.177C>G, p.Ile59Met (NM_001081955.3, NM_001165933.2); short protein forms I59M.
Identifiers: ClinVar variation 1039874 (VCV001039874.8), dbSNP rs1345257664, ClinGen allele CA400663613.